The following is an entry in ClinVar:

NM_000384.3(APOB):c.7791G>A (p.Met2597Ile)

Gene: APOB (apolipoprotein B; minus strand). Cytogenetic location: 2p24.1.
Variant type: single nucleotide variant.
Coding change: c.7791G>A on transcript NM_000384.3 (MANE Select); coding-DNA position 7791, G replaced by A.
Protein change: p.Met2597Ile; replaces methionine 2597 with isoleucine.
Molecular consequence: missense variant.
Genome position (GRCh38, 1-based): chr2:21,009,077, C>T on the plus strand (G>A on the coding strand, the complement: APOB is on the minus strand). VCF-style: chr2-21009077-C-T. GRCh37 (hg19) VCF-style: chr2-21231949-C-T.
Other names: short protein forms M2597I.
Identifiers: ClinVar variation 1760644 (VCV001760644.2), dbSNP rs2465368054, ClinGen allele CA345996112.

ClinVar aggregate classification (germline): Uncertain significance (1 of 4 stars; one submission).

Conditions:
Cardiovascular phenotype. Identifiers: MedGen CN230736.

Allele frequency attached by ClinVar (database versions not stated): gnomAD exomes below 0.00001.
gnomAD v4.1: 1 of 1,614,044 alleles (0.000062%); highest among the groups gnomAD compares: Non-Finnish European, 0.000085%; no homozygotes.

Submission:

Ambry Genetics
Classification: Uncertain significance for Cardiovascular phenotype. Last evaluated: 2022-10-17. Review status: criteria provided, single submitter. Criteria: Ambry Variant Classification Scheme 2023. Collection method: clinical testing. Allele origin: germline.
Comment: The p.M2597I variant (also known as c.7791G>A), located in coding exon 26 of the APOB gene, results from a G to A substitution at nucleotide position 7791. The methionine at codon 2597 is replaced by isoleucine, an amino acid with highly similar properties. This amino acid position is conserved. In addition, this alteration is predicted to be tolerated by in silico analysis. Since supporting evidence is limited at this time, the clinical significance of this alteration remains unclear.